The following is an entry in ClinVar:

NM_207037.2(TCF12):c.317A>G (p.Asn106Ser)

Gene: TCF12 (transcription factor 12; plus strand). Cytogenetic location: 15q21.3.
Variant type: single nucleotide variant.
Coding change: c.317A>G on transcript NM_207037.2 (MANE Select); coding-DNA position 317, A replaced by G.
Protein change: p.Asn106Ser; replaces asparagine 106 with serine.
Molecular consequence: missense variant. On other transcripts: 5 prime UTR variant (1).
Genome position (GRCh38, 1-based): chr15:57,091,883, A>G. VCF-style: chr15-57091883-A-G. GRCh37 (hg19) VCF-style: chr15-57384081-A-G.
Other names: c.317A>G, p.Asn106Ser (NM_001322151.2, NM_001322152.2, NM_001322157.3 and 7 more transcripts); c.-336A>G (NM_001322154.2); c.143A>G, p.Asn48Ser (NM_001322156.2, NM_001322158.2); c.353A>G, p.Asn118Ser (NM_001322164.2); short protein forms N106S, N118S, N48S.
Identifiers: ClinVar variation 3906789 (VCV003906789.1).

ClinVar aggregate classification (germline): Uncertain significance (1 of 4 stars; one submission).

Submission:

GeneDx
Classification: Uncertain significance. Last evaluated: 2024-12-18. Review status: criteria provided, single submitter. Criteria: GeneDx Variant Classification Process June 2021. Collection method: clinical testing. Allele origin: germline. Affected: yes.
Comment: Not observed at significant frequency in large population cohorts (gnomAD); In silico analysis indicates that this missense variant does not alter protein structure/function; Has not been previously published as pathogenic or benign to our knowledge